The following is an entry in ClinVar:

ClinVar aggregate classification (germline): Conflicting classifications of pathogenicity. Review status: criteria provided, conflicting classifications (1 of 4 stars). 3 submissions from 3 submitters: Uncertain significance (2); Likely benign (1). Last evaluated 2025-11-05.

Conditions:
Cardiovascular phenotype. Identifiers: MedGen CN230736.
Brugada syndrome 6 (BRGDA6). Identifiers: Orphanet 130, MedGen C2751089, MONDO:0013145, OMIM 613119.

Allele frequency attached by ClinVar (database versions not stated): gnomAD 0.00003; TOPMed 0.00004.
gnomAD v4.1: 39 of 1,614,026 alleles (0.0024%); highest among the groups gnomAD compares: Admixed American, 0.033%; no homozygotes.

Submissions (3):

Labcorp Genetics (formerly Invitae), Labcorp
Classification: Uncertain significance for Brugada syndrome 6. Last evaluated: 2025-11-05. Review status: criteria provided, single submitter. Criteria: Invitae Variant Classification Sherloc (09022015). Collection method: clinical testing. Allele origin: germline.
Comment: This sequence change replaces arginine, which is basic and polar, with tryptophan, which is neutral and slightly polar, at codon 32 of the KCNE3 protein (p.Arg32Trp). This variant is present in population databases (rs755300564, gnomAD 0.05%). This variant has not been reported in the literature in individuals affected with KCNE3-related conditions. ClinVar contains an entry for this variant (Variation ID: 1041613). An algorithm developed to predict the effect of missense changes on protein structure and function (PolyPhen-2) suggests that this variant is likely to be disruptive. In summary, the available evidence is currently insufficient to determine the role of this variant in disease. Therefore, it has been classified as a Variant of Uncertain Significance.

Ambry Genetics
Classification: Likely benign for Cardiovascular phenotype. Last evaluated: 2023-08-25. Review status: criteria provided, single submitter. Criteria: Ambry Variant Classification Scheme 2023. Collection method: clinical testing. Allele origin: germline.

Fulgent Genetics
Classification: Uncertain significance for Brugada syndrome 6. Last evaluated: 2021-09-13. Review status: criteria provided, single submitter. Criteria: ACMG Guidelines, 2015. Collection method: clinical testing. Allele origin: unknown.

NM_005472.5(KCNE3):c.94C>T (p.Arg32Trp)

Gene: KCNE3 (potassium voltage-gated channel subfamily E regulatory subunit 3; minus strand). Cytogenetic location: 11q13.4.
Variant type: single nucleotide variant.
Coding change: c.94C>T on transcript NM_005472.5 (MANE Select); coding-DNA position 94, C replaced by T.
Protein change: p.Arg32Trp; replaces arginine 32 with tryptophan.
Molecular consequence: missense variant.
Genome position (GRCh38, 1-based): chr11:74,457,470, G>A on the plus strand (C>T on the coding strand, the complement: KCNE3 is on the minus strand). VCF-style: chr11-74457470-G-A. GRCh37 (hg19) VCF-style: chr11-74168515-G-A.
Other names: c.94C>T (NM_005472.4); short protein forms R32W.
Identifiers: ClinVar variation 1041613 (VCV001041613.11), dbSNP rs755300564, ClinGen allele CA6184860.